The following is an entry in ClinVar:

ClinVar aggregate classification (germline): Uncertain significance. Review status: criteria provided, single submitter (1 of 4 stars). 2 submissions from 2 submitters: Uncertain significance (1). 1 of the submissions does not count toward it. Last evaluated 2021-08-24.

Conditions:
Medium-chain acyl-coenzyme A dehydrogenase deficiency (ACADMD). Also called: MCADH DEFICIENCY; MCAD Deficiency; ACADM DEFICIENCY; MCADD; CARNITINE DEFICIENCY SECONDARY TO MEDIUM-CHAIN ACYL-CoA DEHYDROGENASE DEFICIENCY; Medium chain acyl-CoA dehydrogenase deficiency. Identifiers: Orphanet 42, MedGen C0220710, MONDO:0008721, OMIM 201450.

Submissions (2):

Labcorp Genetics (formerly Invitae), Labcorp
Classification: Uncertain significance for Medium-chain acyl-coenzyme A dehydrogenase deficiency. Last evaluated: 2021-08-24. Review status: criteria provided, single submitter. Criteria: Invitae Variant Classification Sherloc (09022015). Collection method: clinical testing. Allele origin: germline.
Comment: This sequence change replaces serine with arginine at codon 109 of the ACADM protein (p.Ser109Arg). The serine residue is weakly conserved and there is a moderate physicochemical difference between serine and arginine. This variant is not present in population databases (ExAC no frequency). This variant has not been reported in the literature in individuals affected with ACADM-related conditions. Algorithms developed to predict the effect of missense changes on protein structure and function are either unavailable or do not agree on the potential impact of this missense change (SIFT: "Deleterious"; PolyPhen-2: "Benign"; Align-GVGD: "Class C0"). In summary, the available evidence is currently insufficient to determine the role of this variant in disease. Therefore, it has been classified as a Variant of Uncertain Significance.

Natera, Inc.
Classification: Uncertain significance for Medium Chain Acyl-CoA Dehydrogenase Deficiency. Last evaluated: 2025-05-03. Review status: no assertion criteria provided. Collection method: clinical testing. Allele origin: germline. Not counted in ClinVar's aggregate classification.

NM_000016.6(ACADM):c.327T>A (p.Ser109Arg)

Gene: ACADM (acyl-CoA dehydrogenase medium chain; plus strand). Cytogenetic location: 1p31.1.
Variant type: single nucleotide variant.
Coding change: c.327T>A on transcript NM_000016.6 (MANE Select); coding-DNA position 327, T replaced by A.
Protein change: p.Ser109Arg; replaces serine 109 with arginine.
Molecular consequence: missense variant. On other transcripts: intron variant (1).
Genome position (GRCh38, 1-based): chr1:75,733,568, T>A. VCF-style: chr1-75733568-T-A. GRCh37 (hg19) VCF-style: chr1-76199253-T-A.
Other names: c.339T>A, p.Ser113Arg (NM_001127328.3); c.219T>A, p.Ser73Arg (NM_001286042.2); c.426T>A, p.Ser142Arg (NM_001286043.2); c.-100+646T>A (NM_001286044.2); short protein forms S109R, S113R, S73R, S142R.
Identifiers: ClinVar variation 946621 (VCV000946621.8), dbSNP rs1647188135, ClinGen allele CA340812097.